The following is an entry in ClinVar:

ClinVar aggregate classification (germline): Uncertain significance (1 of 4 stars; one submission).

Submission:

Labcorp Genetics (formerly Invitae), Labcorp
Classification: Uncertain significance. Last evaluated: 2024-10-15. Review status: criteria provided, single submitter. Criteria: Invitae Variant Classification Sherloc (09022015). Collection method: clinical testing. Allele origin: germline.
Comment: This sequence change replaces threonine, which is neutral and polar, with isoleucine, which is neutral and non-polar, at codon 71 of the CACNA1D protein (p.Thr71Ile). This variant is not present in population databases (gnomAD no frequency). This variant has not been reported in the literature in individuals affected with CACNA1D-related conditions. An algorithm developed to predict the effect of missense changes on protein structure and function (PolyPhen-2) suggests that this variant is likely to be tolerated. In summary, the available evidence is currently insufficient to determine the role of this variant in disease. Therefore, it has been classified as a Variant of Uncertain Significance.

NM_001128840.3(CACNA1D):c.212C>T (p.Thr71Ile)

Gene: CACNA1D (calcium voltage-gated channel subunit alpha1 D; plus strand). Cytogenetic location: 3p21.1.
Variant type: single nucleotide variant.
Coding change: c.212C>T on transcript NM_001128840.3 (MANE Select); coding-DNA position 212, C replaced by T.
Protein change: p.Thr71Ile; replaces threonine 71 with isoleucine.
Molecular consequence: missense variant.
Genome position (GRCh38, 1-based): chr3:53,497,296, C>T. VCF-style: chr3-53497296-C-T. GRCh37 (hg19) VCF-style: chr3-53531323-C-T.
Other names: c.212C>T, p.Thr71Ile (NM_000720.4, NM_001128839.3); short protein forms T71I.
Identifiers: ClinVar variation 2744440 (VCV002744440.3), dbSNP rs2471509617, ClinGen allele CA353381984.
Genomic context (GRCh38, chr3:53,497,296, plus strand): 5'-TGTCTTGGCAAGCTGCAATCGATGCTGCTAGACAGGCCAAGGCTGCCCAAACTATGAGCA[C>T]CTCTGCACCCCCACCTGTAGGATCTCTCTCCCAAAGAAAACGTCAGCAATACGCCAAGAG-3'
Protein context (NP_001122312.1, residues 61-81): RQAKAAQTMS[Thr71Ile]SAPPPVGSLS